The following is an entry in ClinVar:

NM_005956.4(MTHFD1):c.104C>T (p.Thr35Ile)

Gene: MTHFD1 (methylenetetrahydrofolate dehydrogenase, cyclohydrolase and formyltetrahydrofolate synthetase 1; plus strand). Cytogenetic location: 14q23.3.
Variant type: single nucleotide variant.
Coding change: c.104C>T on transcript NM_005956.4 (MANE Select); coding-DNA position 104, C replaced by T.
Protein change: p.Thr35Ile; replaces threonine 35 with isoleucine.
Molecular consequence: missense variant.
Genome position (GRCh38, 1-based): chr14:64,400,855, C>T. VCF-style: chr14-64400855-C-T. GRCh37 (hg19) VCF-style: chr14-64867573-C-T.
Other names: c.104C>T, p.Thr35Ile (NM_001364837.1); short protein forms T35I.
Identifiers: ClinVar variation 1480427 (VCV001480427.8), dbSNP rs770520740, ClinGen allele CA7225827.

ClinVar aggregate classification (germline): Uncertain significance (1 of 4 stars; one submission).

Allele frequency attached by ClinVar (database versions not stated): gnomAD exomes below 0.00001; ExAC 0.00001.
gnomAD v4.1: 1 of 1,612,662 alleles (0.000062%); highest among the groups gnomAD compares: South Asian, 0.0011%; no homozygotes.

Submission:

Labcorp Genetics (formerly Invitae), Labcorp
Classification: Uncertain significance. Last evaluated: 2021-05-13. Review status: criteria provided, single submitter. Criteria: Invitae Variant Classification Sherloc (09022015). Collection method: clinical testing. Allele origin: germline.
Comment: In summary, the available evidence is currently insufficient to determine the role of this variant in disease. Therefore, it has been classified as a Variant of Uncertain Significance. Algorithms developed to predict the effect of missense changes on protein structure and function output the following: SIFT: "Tolerated"; PolyPhen-2: "Benign"; Align-GVGD: "Class C0". The isoleucine amino acid residue is found in multiple mammalian species, suggesting that this missense change does not adversely affect protein function. These predictions have not been confirmed by published functional studies and their clinical significance is uncertain. This variant has not been reported in the literature in individuals with MTHFD1-related conditions. This variant is present in population databases (rs770520740, ExAC 0.007%). This sequence change replaces threonine with isoleucine at codon 35 of the MTHFD1 protein (p.Thr35Ile). The threonine residue is weakly conserved and there is a moderate physicochemical difference between threonine and isoleucine.